The following is an entry in ClinVar:

ClinVar aggregate classification (germline): Uncertain significance. Review status: criteria provided, multiple submitters, no conflicts (2 of 4 stars). 2 submissions from 2 submitters: Uncertain significance (2). Last evaluated 2025-11-26.

Allele frequency attached by ClinVar (database versions not stated): ExAC 0.00004; gnomAD exomes 0.00003.
gnomAD v4.1: 54 of 1,612,878 alleles (0.0033%); highest among the groups gnomAD compares: South Asian, 0.018%; no homozygotes.

Submissions (2):

Ambry Genetics
Classification: Uncertain significance. Last evaluated: 2025-11-26. Review status: criteria provided, single submitter. Criteria: Ambry Variant Classification Scheme 2023. Collection method: clinical testing. Allele origin: germline.

Labcorp Genetics (formerly Invitae), Labcorp
Classification: Uncertain significance. Last evaluated: 2023-08-04. Review status: criteria provided, single submitter. Criteria: Invitae Variant Classification Sherloc (09022015). Collection method: clinical testing. Allele origin: germline.
Comment: In summary, the available evidence is currently insufficient to determine the role of this variant in disease. Therefore, it has been classified as a Variant of Uncertain Significance. Advanced modeling of protein sequence and biophysical properties (such as structural, functional, and spatial information, amino acid conservation, physicochemical variation, residue mobility, and thermodynamic stability) performed at Invitae indicates that this missense variant is not expected to disrupt C5 protein function. ClinVar contains an entry for this variant (Variation ID: 1905590). This variant has not been reported in the literature in individuals affected with C5-related conditions. This variant is present in population databases (rs761788277, gnomAD 0.01%). This sequence change replaces threonine, which is neutral and polar, with alanine, which is neutral and non-polar, at codon 1569 of the C5 protein (p.Thr1569Ala).

NM_001735.3(C5):c.4705A>G (p.Thr1569Ala)

Gene: C5 (complement C5; minus strand). Cytogenetic location: 9q33.2.
Variant type: single nucleotide variant.
Coding change: c.4705A>G on transcript NM_001735.3 (MANE Select); coding-DNA position 4705, A replaced by G.
Protein change: p.Thr1569Ala; replaces threonine 1569 with alanine.
Molecular consequence: missense variant.
Genome position (GRCh38, 1-based): chr9:120,957,342, T>C on the plus strand (A>G on the coding strand, the complement: C5 is on the minus strand). VCF-style: chr9-120957342-T-C. GRCh37 (hg19) VCF-style: chr9-123719620-T-C.
Other names: c.4723A>G, p.Thr1575Ala (NM_001317163.2); short protein forms T1569A, T1575A.
Identifiers: ClinVar variation 1905590 (VCV001905590.5), dbSNP rs761788277, ClinGen allele CA5217085.